The following is an entry in ClinVar:

ClinVar aggregate classification (germline): Likely benign (1 of 4 stars; one submission).

Submission:

CeGaT Center for Human Genetics Tuebingen
Classification: Likely benign. Last evaluated: 2022-10-01. Review status: criteria provided, single submitter. Criteria: CeGaT Center For Human Genetics Tuebingen Variant Classification Criteria Version 2. Collection method: clinical testing. Allele origin: germline. Affected: yes. Observed: 1 variant allele.
Comment: ATP1A1: PM2:Supporting, BP4, BP7

NM_000701.8(ATP1A1):c.1674C>T (p.Leu558=)

Genes: ATP1A1 (ATPase Na+/K+ transporting subunit alpha 1; plus strand), ATP1A1-AS1 (ATP1A1 antisense RNA 1; minus strand). Cytogenetic location: 1p13.1.
Variant type: single nucleotide variant.
Coding change: c.1674C>T on transcript NM_000701.8 (MANE Select); coding-DNA position 1674, C replaced by T.
Protein change: p.Leu558=; no amino-acid change (leucine 558 retained).
Molecular consequence: synonymous variant.
Genome position (GRCh38, 1-based): chr1:116,395,123, C>T. VCF-style: chr1-116395123-C-T. GRCh37 (hg19) VCF-style: chr1-116937745-C-T.
Other names: c.1674C>T, p.Leu558= (NM_001160233.2); c.1581C>T, p.Leu527= (NM_001160234.2).
Identifiers: ClinVar variation 2639019 (VCV002639019.24), dbSNP rs2525861036, ClinGen allele CA419903622.